The following is an entry in ClinVar:

ClinVar aggregate classification (germline): Benign. Review status: criteria provided, multiple submitters, no conflicts (2 of 4 stars). 5 submissions from 5 submitters: Benign (4). 1 of the submissions does not count toward it. Last evaluated 2026-01-18.

Conditions:
GPI-related disorder. Also called: GPI-related condition.
Hemolytic anemia due to glucophosphate isomerase deficiency (CNSHA4). Also called: ANEMIA, CONGENITAL, NONSPHEROCYTIC HEMOLYTIC, 4. Identifiers: Orphanet 712, MedGen C0272064, MONDO:0013275, OMIM 613470.

Allele frequency attached by ClinVar (database versions not stated): 1000 Genomes Project 0.00919; 1000 Genomes Project 30x 0.00968; ESP Exome Variant Server 0.01161; TOPMed 0.01397; ExAC 0.01419; gnomAD 0.01470 and 0.01510; gnomAD exomes 0.01695.

Submissions (5):

Labcorp Genetics (formerly Invitae), Labcorp
Classification: Benign. Last evaluated: 2026-01-18. Review status: criteria provided, single submitter. Criteria: Invitae Variant Classification Sherloc (09022015). Collection method: clinical testing. Allele origin: germline.

ARUP Laboratories, Molecular Genetics and Genomics, ARUP Laboratories
Classification: Benign for Hemolytic anemia due to glucophosphate isomerase deficiency. Last evaluated: 2025-06-30. Review status: criteria provided, single submitter. Criteria: ARUP Molecular Germline Variant Investigation Process 2024. Collection method: clinical testing. Allele origin: germline.

Mayo Clinic Laboratories, Mayo Clinic
Classification: Benign. Last evaluated: 2022-05-19. Review status: criteria provided, single submitter. Criteria: ACMG Guidelines, 2015. Collection method: clinical testing. Allele origin: germline. Observed: 61 variant alleles.
Comment: BS1, BS2, BP4, BP7

Breakthrough Genomics
Classification: Benign. Review status: criteria provided, single submitter. Criteria: ACMG Guidelines, 2015. Collection method: not provided. Allele origin: germline. Inheritance: Autosomal recessive inheritance. Affected: yes.

PreventionGenetics, part of Exact Sciences
Classification: Benign for GPI-related condition. Last evaluated: 2019-05-08. Review status: no assertion criteria provided. Collection method: clinical testing. Allele origin: germline. Not counted in ClinVar's aggregate classification.
Comment: This variant is classified as benign based on ACMG/AMP sequence variant interpretation guidelines (Richards et al. 2015 PMID: 25741868, with internal and published modifications).

NM_000175.5(GPI):c.948C>A (p.Ala316=)

Gene: GPI (glucose-6-phosphate isomerase; plus strand). Cytogenetic location: 19q13.11.
Variant type: single nucleotide variant.
Coding change: c.948C>A on transcript NM_000175.5 (MANE Select); coding-DNA position 948, C replaced by A.
Protein change: p.Ala316=; no amino-acid change (alanine 316 retained).
Molecular consequence: synonymous variant.
Genome position (GRCh38, 1-based): chr19:34,393,952, C>A. VCF-style: chr19-34393952-C-A. GRCh37 (hg19) VCF-style: chr19-34884857-C-A.
Other names: p.Ala316=; c.981C>A, p.Ala327= (NM_001184722.1); c.1065C>A, p.Ala355= (NM_001289789.1); c.864C>A, p.Ala288= (NM_001289790.3); c.948C>A, p.Ala316= (NM_001329909.1, NM_001329910.1, NM_001329911.2); c.948C>A (NM_000175.4).
Identifiers: ClinVar variation 994193 (VCV000994193.24), dbSNP rs8191416, ClinGen allele CA9367312.